The following is an entry in ClinVar:

NM_015570.4(AUTS2):c.1576CAGCAC[2] (p.526QH[2])

Gene: AUTS2 (activator of transcription and developmental regulator AUTS2; plus strand). Cytogenetic location: 7q11.22.
Variant type: Microsatellite.
Coding change: c.1576CAGCAC[2] on transcript NM_015570.4 (MANE Select); two copies in a row of the 6-base unit CAGCAC starting at c.1576; the reference has four copies in a row; two copies, 12 bases deleted.
Protein change: p.526QH[2].
Molecular consequence: inframe deletion.
Genome position (GRCh38, 1-based): chr7:70,766,233-70,766,244, CAGCACCAGCAC deleted; deleting any 12 consecutive bases within chr7:70,766,221-70,766,244 gives the same sequence; the position shown is the placement nearest the transcript's 3' end. VCF-style (leftmost placement, unchanged base first): chr7-70766220-TCAGCACCAGCAC-T. GRCh37 (hg19) VCF-style: chr7-70231206-TCAGCACCAGCAC-T.
Other names: c.1576CAGCAC[2], p.526QH[2] (NM_001127231.3).
Identifiers: ClinVar variation 2717010 (VCV002717010.3), dbSNP rs766349738, ClinGen allele CA4280705.

ClinVar aggregate classification (germline): Uncertain significance (1 of 4 stars; one submission).

Submission:

Labcorp Genetics (formerly Invitae), Labcorp
Classification: Uncertain significance. Last evaluated: 2025-01-22. Review status: criteria provided, single submitter. Criteria: Invitae Variant Classification Sherloc (09022015). Collection method: clinical testing. Allele origin: germline.
Comment: This variant, c.1588_1599del, results in the deletion of 4 amino acid(s) of the AUTS2 protein (p.Gln530_His533del), but otherwise preserves the integrity of the reading frame. This variant is present in population databases (rs767619439, gnomAD 0.0009%). This variant has not been reported in the literature in individuals affected with AUTS2-related conditions. Experimental studies and prediction algorithms are not available or were not evaluated, and the functional significance of this variant is currently unknown. In summary, the available evidence is currently insufficient to determine the role of this variant in disease. Therefore, it has been classified as a Variant of Uncertain Significance.